The following is an entry in ClinVar:

ClinVar aggregate classification (germline): Uncertain significance (1 of 4 stars; one submission).

Conditions:
Hereditary cancer-predisposing syndrome. Also called: Tumor predisposition; Hereditary neoplastic syndrome; Hereditary Cancer Syndrome; Neoplastic Syndromes, Hereditary. Identifiers: Orphanet 140162, MedGen C0027672, MeSH D009386, MONDO:0015356.

Submission:

Ambry Genetics
Classification: Uncertain significance for Hereditary cancer-predisposing syndrome. Last evaluated: 2023-11-24. Review status: criteria provided, single submitter. Criteria: Ambry Variant Classification Scheme 2023. Collection method: clinical testing. Allele origin: germline.
Comment: The p.E197D variant (also known as c.591A>T), located in coding exon 5 of the CTNNA1 gene, results from an A to T substitution at nucleotide position 591. The glutamic acid at codon 197 is replaced by aspartic acid, an amino acid with highly similar properties. This amino acid position is conserved. In addition, this alteration is predicted to be tolerated by in silico analysis. Since supporting evidence is limited at this time, the clinical significance of this alteration remains unclear.

NM_001903.5(CTNNA1):c.591A>T (p.Glu197Asp)

Gene: CTNNA1 (catenin alpha 1; plus strand). Cytogenetic location: 5q31.2.
Variant type: single nucleotide variant.
Coding change: c.591A>T on transcript NM_001903.5 (MANE Select); coding-DNA position 591, A replaced by T.
Protein change: p.Glu197Asp; replaces glutamic acid 197 with aspartic acid.
Molecular consequence: missense variant.
Genome position (GRCh38, 1-based): chr5:138,824,532, A>T. VCF-style: chr5-138824532-A-T. GRCh37 (hg19) VCF-style: chr5-138160221-A-T.
Other names: c.591A>T, p.Glu197Asp (NM_001290307.3, NM_001323982.2, NM_001323983.1 and 3 more transcripts); c.282A>T, p.Glu94Asp (NM_001290309.3); c.222A>T, p.Glu74Asp (NM_001290310.3); short protein forms E197D, E74D, E94D.
Identifiers: ClinVar variation 3221919 (VCV003221919.1), dbSNP rs1581167260, ClinGen allele CA361129355.
Genomic context (GRCh38, chr5:138,824,532, plus strand): 5'-ATATGAGTAAAGCCCATATAAAGAGTGCTCCAATTTCTTGTTTTATTTACTCTTGTAGGA[A>T]TTGAAAGATGTTGGCCATCGTGATCAGATGGCTGCAGCTAGAGGAATCCTGCAGAAGAAC-3'
Protein context (NP_001894.2, residues 187-207): LNIMAAKRQQ[Glu197Asp]LKDVGHRDQM